The following is an entry in ClinVar:

NM_144596.4(TTC8):c.175A>G (p.Thr59Ala)

Gene: TTC8 (tetratricopeptide repeat domain 8; plus strand). Cytogenetic location: 14q31.3.
Variant type: single nucleotide variant.
Coding change: c.175A>G on transcript NM_144596.4 (MANE Select); coding-DNA position 175, A replaced by G.
Protein change: p.Thr59Ala; replaces threonine 59 with alanine.
Molecular consequence: missense variant. On other transcripts: 5 prime UTR variant (2), non-coding transcript variant (1).
Genome position (GRCh38, 1-based): chr14:88,839,482, A>G. VCF-style: chr14-88839482-A-G. GRCh37 (hg19) VCF-style: chr14-89305826-A-G.
Other names: c.145A>G, p.Thr49Ala (NM_001288781.1, NM_001366535.2, NM_001366536.2 and 2 more transcripts); c.-418A>G (NM_001288782.1); c.-513A>G (NM_001288783.1); short protein forms T49A, T59A.
Identifiers: ClinVar variation 1015198 (VCV001015198.8), dbSNP rs1335402056, ClinGen allele CA390572493.

ClinVar aggregate classification (germline): Uncertain significance. Review status: criteria provided, multiple submitters, no conflicts (2 of 4 stars). 2 submissions from 2 submitters: Uncertain significance (2). Last evaluated 2022-07-19.

Conditions:
Bardet-Biedl syndrome (BBS). Identifiers: Orphanet 110, MedGen C0752166, MONDO:0015229.

Allele frequency attached by ClinVar (database versions not stated): gnomAD exomes below 0.00001 and 0.00001.
gnomAD v4.1: 5 of 1,613,204 alleles (0.00031%); highest among the groups gnomAD compares: South Asian, 0.0011%; no homozygotes.

Submissions (2):

Labcorp Genetics (formerly Invitae), Labcorp
Classification: Uncertain significance for Bardet-Biedl syndrome. Last evaluated: 2022-07-19. Review status: criteria provided, single submitter. Criteria: Invitae Variant Classification Sherloc (09022015). Collection method: clinical testing. Allele origin: germline.
Comment: This variant has not been reported in the literature in individuals affected with TTC8-related conditions. In summary, the available evidence is currently insufficient to determine the role of this variant in disease. Therefore, it has been classified as a Variant of Uncertain Significance. Algorithms developed to predict the effect of missense changes on protein structure and function are either unavailable or do not agree on the potential impact of this missense change (SIFT: "Deleterious"; PolyPhen-2: "Possibly Damaging"; Align-GVGD: "Class C0"). ClinVar contains an entry for this variant (Variation ID: 1015198). This variant is present in population databases (no rsID available, gnomAD 0.003%). This sequence change replaces threonine, which is neutral and polar, with alanine, which is neutral and non-polar, at codon 49 of the TTC8 protein (p.Thr49Ala).

Blueprint Genetics
Classification: Uncertain significance. Last evaluated: 2019-09-09. Review status: criteria provided, single submitter. Criteria: ACMG Guidelines, 2015. Collection method: clinical testing. Allele origin: germline.